The following is an entry in ClinVar:

ClinVar aggregate classification (germline): Pathogenic/Likely pathogenic. Review status: criteria provided, multiple submitters, no conflicts (2 of 4 stars). 24 submissions from 24 submitters: Pathogenic (18); Likely pathogenic (1). 5 of the submissions do not count toward it. Last evaluated 2026-03-10.

Conditions:
PMM2-related disorder. Also called: PMM2-related condition.
Inborn genetic diseases. Identifiers: MedGen C0950123, MeSH D030342.
PMM2-congenital disorder of glycosylation. Also called: JAEKEN SYNDROME; CDG Ia; Congenital disorder of glycosylation, type Ia; PHOSPHOMANNOMUTASE 2 DEFICIENCY; CARBOHYDRATE-DEFICIENT GLYCOPROTEIN SYNDROME, TYPE Ia; PMM2-CDG. Identifiers: Orphanet 79318, MedGen C0349653, MONDO:0008907, OMIM 212065.

Allele frequency attached by ClinVar (database versions not stated): gnomAD exomes 0.00006 and 0.00005; gnomAD 0.00024 and 0.00027; ExAC 0.00007; TOPMed 0.00021.
gnomAD v4.1: 104 of 1,613,056 alleles (0.0064%); highest among the groups gnomAD compares: African/African-American, 0.064%; no homozygotes.

Submissions 1 to 12 of 24:

PreventionGenetics, part of Exact Sciences
Classification: Pathogenic for PMM2-related condition. Last evaluated: 2026-03-10. Review status: criteria provided, single submitter. Criteria: ACMG Guidelines, 2015. Collection method: clinical testing. Allele origin: germline.
Comment: The PMM2 c.722G>C variant is predicted to result in the amino acid substitution p.Cys241Ser. This variant has been reported as causative for autosomal recessive congenital disorder of glycosylation type Ia (Matthijs et al. 1999. PubMed ID: 10527672; Westphal et al. 2001. PubMed ID: 11715002; Vega et al. 2011. PubMed ID: 21541725). This variant is reported in 0.060% of alleles in individuals of African descent in gnomAD. This variant is interpreted as pathogenic.

Labcorp Genetics (formerly Invitae), Labcorp
Classification: Pathogenic for PMM2-congenital disorder of glycosylation. Last evaluated: 2026-01-13. Review status: criteria provided, single submitter. Criteria: Invitae Variant Classification Sherloc (09022015). Collection method: clinical testing. Allele origin: germline.
Comment: This sequence change replaces cysteine, which is neutral and slightly polar, with serine, which is neutral and polar, at codon 241 of the PMM2 protein (p.Cys241Ser). This variant is present in population databases (rs80338709, gnomAD 0.06%). This missense change has been observed in individuals with mild congenital disorder of glycosylation Ia (CDG-Ia) (PMID: 11156536, 11715002, 15844218, 21541725, 25355454). It has also been observed to segregate with disease in related individuals. ClinVar contains an entry for this variant (Variation ID: 7717). Invitae Evidence Modeling of protein sequence and biophysical properties (such as structural, functional, and spatial information, amino acid conservation, physicochemical variation, residue mobility, and thermodynamic stability) indicates that this missense variant is expected to disrupt PMM2 protein function with a positive predictive value of 95%. Experimental studies have shown that this missense change affects PMM2 function (PMID: 11715002, 21541725, 22012410, 26014514). For these reasons, this variant has been classified as Pathogenic.

Natera, Inc.
Classification: Pathogenic for Congenital disorder of glycosylation type 1a. Last evaluated: 2026-01-05. Review status: criteria provided, single submitter. Criteria: Natera Variant Classification Schema (03/2026). Collection method: clinical testing. Allele origin: germline.
Comment: The c.722G>C variant in PMM2 is a missense variant predicted to cause substitution of cysteine to serine at amino acid 241. This variant is rare in the general population with a frequency below the threshold expected for the associated phenotype(s). This variant has been observed in one or more individuals affected with the associated recessive disease, as either homozygous or compound heterozygous with a second variant (PMID: 15844218). Given the available evidence, this variant is classified as Pathogenic.

Variantyx, Inc.
Classification: Pathogenic for PMM2-congenital disorder of glycosylation. Last evaluated: 2025-08-20. Review status: criteria provided, single submitter. Criteria: Variantyx Assertion Criteria 2022. Collection method: clinical testing. Allele origin: germline. Inheritance: Autosomal recessive inheritance. Affected: yes.
Comment: This is a nonsynonymous variant in the PMM2 gene (OMIM: 601785). Pathogenic variants in this gene have been associated with autosomal recessive congenital disorder of glycosylation type Ia. This variant has been identified in the compound heterozygous state in at least five individuals from the literature (PMID: 21541725, 28425223, 28566178, 33163565) (PM3) Functional studies have shown that this variant alters PMM2 protein function (PMID: 21541725, 11715002, 26014514) (PS3_Moderate), and multiple computational algorithms predict a deleterious effect for this variant (REVEL score: 0.928) (PP3). This variant has a 0.0641% maximum allele frequency in non-founder control populations (PM2). Based on the current evidence, this variant is classified as pathogenic for autosomal recessive congenital disorder of glycosylation type Ia.

Dasa
Classification: Pathogenic. Last evaluated: 2025-05-29. Review status: criteria provided, single submitter. Criteria: DASA Assertion Criteria. Collection method: clinical testing. Allele origin: germline.
Comment: NM_000303.3(PMM2):c.722G>C (p.Cys241Ser) is a missense variant that results in the substitution of cysteine with serine. The affected residue or protein region has prior evidence supporting clinical relevance. This variant has been observed in affected individuals with related phenotype in a genotype context consistent with recessive disease (PMID: 10922383; PMID: 10527672; PMID: 11156536; PMID: 11715002). Functional evidence supports a deleterious effect on the gene or gene product (PMID: 10922383; PMID: 10527672; PMID: 11156536; PMID: 11715002). This variant has been recurrently observed in individuals with related phenotype (PMID: 10922383; PMID: 10527672; PMID: 11156536; PMID: 11715002). Multiple computational predictions support a deleterious effect on the gene or gene product. The variant is present at low frequency in population datasets. Based on the available data, this variant is classified as pathogenic.

Department of Human Genetics, Hannover Medical School
Classification: Likely pathogenic for PMM2-congenital disorder of glycosylation. Last evaluated: 2024-09-16. Review status: criteria provided, single submitter. Criteria: ACMG Guidelines, 2015. Collection method: clinical testing. Allele origin: germline. Affected: yes.

GeneDx
Classification: Pathogenic. Last evaluated: 2024-08-08. Review status: criteria provided, single submitter. Criteria: GeneDx Variant Classification Process June 2021. Collection method: clinical testing. Allele origin: germline. Affected: yes.
Comment: Published functional studies demonstrate C241S reduced enzyme activity and affected folding properties of the PMM2 protein (PMID: 26014514); In silico analysis supports that this missense variant has a deleterious effect on protein structure/function; This variant is associated with the following publications: (PMID: 31589614, 33643843, 30293989, 22012410, 21541725, 28425223, 11715002, 28566178, 29482223, 30304743, 31307013, 32630370, 31115488, 33163565, 33413482, 35279850, 35531120, 32860008, 34480478, 33879512, 34828263, 26014514, 10527672)

3billion
Classification: Pathogenic for PMM2-congenital disorder of glycosylation. Last evaluated: 2024-06-02. Review status: criteria provided, single submitter. Criteria: ACMG Guidelines, 2015. Collection method: clinical testing. Allele origin: germline. Affected: yes.
Comment: The variant is observed at an extremely low frequency in the gnomAD v4.0.0 dataset (total allele frequency: 0.006%). Predicted Consequence/Location: Missense variant Functional studies provide moderate evidence of the variant having a damaging effect on the gene or gene product (PMID: 11715002, 21541725). In silico tool predictions suggest damaging effect of the variant on gene or gene product [REVEL: 0.93 (>=0.6, sensitivity 0.68 and specificity 0.92); 3Cnet: 0.83 (>=0.6, sensitivity 0.72 and precision 0.9)]. The same nucleotide change resulting in the same amino acid change has been previously reported as pathogenic/likely pathogenic with strong evidence (ClinVar ID: VCV000007717 /PMID: 10527672). Different missense changes at the same codon (p.Cys241Arg, p.Cys241Trp) have been reported as pathogenic/likely pathogenic with strong evidence (ClinVar ID: VCV002010804, VCV002847057). Therefore, this variant is classified as Pathogenic according to the recommendation of ACMG/AMP guideline.

Blueprint Genetics
Classification: Pathogenic for PMM2-related disorders. Last evaluated: 2024-04-12. Review status: criteria provided, single submitter. Criteria: ACMG Guidelines, 2015. Collection method: clinical testing. Allele origin: germline. Affected: yes. Observed: 5 variant alleles.

Johns Hopkins Genomics, Johns Hopkins University
Classification: Pathogenic for PMM2-congenital disorder of glycosylation. Last evaluated: 2023-07-20. Review status: criteria provided, single submitter. Criteria: ACMG Guidelines, 2015. Collection method: clinical testing. Allele origin: germline.
Comment: This PMM2 variant (rs80338709) is rare (<0.1%) in a large population dataset (gnomAD: 21/282190 total alleles; 0.0074%; no homozygotes) and has been reported in ClinVar. This variant has been reported in compound heterozygous state with a second pathogenic PMM2 variant in unrelated individuals with a mild form of PMM2-CDG. Experimental studies have demonstrated that this amino acid substitution affects folding of the PMM2 protein, leading to abnormal protein aggregation and reduced PMM2 activity. Bioinformatic analysis predicts that this missense variant would not affect normal exon 8 splicing, although this has not been confirmed experimentally to our knowledge. We consider c.722G>C (p.Cys241Ser) to be pathogenic for PMM2-CDG.

Mayo Clinic Laboratories, Mayo Clinic
Classification: Pathogenic. Last evaluated: 2022-06-28. Review status: criteria provided, single submitter. Criteria: ACMG Guidelines, 2015. Collection method: clinical testing. Allele origin: germline. Observed: 1 variant allele.
Comment: PP1, PP3, PP4, PM2, PM3_strong, PS4_moderate

Institute of Medical Genetics and Applied Genomics, University Hospital Tübingen
Classification: Pathogenic. Last evaluated: 2021-09-15. Review status: criteria provided, single submitter. Criteria: ACMG Guidelines, 2015. Collection method: clinical testing. Allele origin: germline. Inheritance: Autosomal recessive inheritance. Affected: yes.

NM_000303.3(PMM2):c.722G>C (p.Cys241Ser)

Gene: PMM2 (phosphomannomutase 2; plus strand). Cytogenetic location: 16p13.2.
Variant type: single nucleotide variant.
Coding change: c.722G>C on transcript NM_000303.3 (MANE Select); coding-DNA position 722, G replaced by C.
Protein change: p.Cys241Ser; replaces cysteine 241 with serine.
Molecular consequence: missense variant.
Genome position (GRCh38, 1-based): chr16:8,847,806, G>C. VCF-style: chr16-8847806-G-C. GRCh37 (hg19) VCF-style: chr16-8941663-G-C.
Other names: short protein forms C241S.
Identifiers: ClinVar variation 7717 (VCV000007717.61), dbSNP rs80338709, ClinGen allele CA234698.